The following is an entry in ClinVar:

NM_001379291.1(BRD4):c.2158+577C>T

Gene: BRD4 (bromodomain containing 4; minus strand). Cytogenetic location: 19p13.12.
Variant type: single nucleotide variant.
Coding change: c.2158+577C>T on transcript NM_001379291.1 (MANE Select); 577 bases into the intron after coding-DNA position 2158, C replaced by T.
Molecular consequence: intron variant. On other transcripts: synonymous variant (1).
Genome position (GRCh38, 1-based): chr19:15,253,575, G>A on the plus strand (C>T on the coding strand, the complement: BRD4 is on the minus strand). VCF-style: chr19-15253575-G-A. GRCh37 (hg19) VCF-style: chr19-15364386-G-A.
Other names: c.2367C>T, p.Cys789= (NM_001330384.2); c.2158+577C>T (NM_058243.3, NM_001379292.1, NM_014299.3).
Identifiers: ClinVar variation 3024661 (VCV003024661.22), dbSNP rs370265878, ClinGen allele CA9265113.

ClinVar aggregate classification (germline): Likely benign (1 of 4 stars; one submission).

Allele frequency attached by ClinVar (database versions not stated): gnomAD 0.00011; gnomAD exomes 0.00014; TOPMed 0.00015; ESP Exome Variant Server 0.00017; ExAC 0.00024.
gnomAD v4.1: 223 of 1,575,432 alleles (0.014%); highest among the groups gnomAD compares: Non-Finnish European, 0.017%; no homozygotes.

Submission:

CeGaT Center for Human Genetics Tuebingen
Classification: Likely benign. Last evaluated: 2023-12-01. Review status: criteria provided, single submitter. Criteria: CeGaT Center For Human Genetics Tuebingen Variant Classification Criteria Version 2. Collection method: clinical testing. Allele origin: germline. Affected: yes. Observed: 1 variant allele.
Comment: BRD4: BP4, BP7